The following is an entry in ClinVar:

NM_004984.4(KIF5A):c.1537C>G (p.Gln513Glu)

Gene: KIF5A (kinesin family member 5A; plus strand). Cytogenetic location: 12q13.3.
Variant type: single nucleotide variant.
Coding change: c.1537C>G on transcript NM_004984.4 (MANE Select); coding-DNA position 1537, C replaced by G.
Protein change: p.Gln513Glu; replaces glutamine 513 with glutamic acid.
Molecular consequence: missense variant.
Genome position (GRCh38, 1-based): chr12:57,572,235, C>G. VCF-style: chr12-57572235-C-G. GRCh37 (hg19) VCF-style: chr12-57966018-C-G.
Other names: c.1537C>G (NM_004984.2); c.1270C>G, p.Gln424Glu (NM_001354705.2); short protein forms Q513E, Q424E.
Identifiers: ClinVar variation 1963853 (VCV001963853.6), dbSNP rs2540504230, ClinGen allele CA385507226.

ClinVar aggregate classification (germline): Uncertain significance. Review status: criteria provided, multiple submitters, no conflicts (2 of 4 stars). 2 submissions from 2 submitters: Uncertain significance (2). Last evaluated 2023-06-24.

Conditions:
Spastic paraplegia. Identifiers: MedGen C0037772, HP:0001258.

Allele frequency attached by ClinVar (database versions not stated): gnomAD exomes below 0.00001.
gnomAD v4.1: 1 of 1,606,738 alleles (0.000062%); highest among the groups gnomAD compares: Admixed American, 0.0017%; no homozygotes.

Submissions (2):

GeneDx
Classification: Uncertain significance. Last evaluated: 2023-06-24. Review status: criteria provided, single submitter. Criteria: GeneDx Variant Classification Process June 2021. Collection method: clinical testing. Allele origin: germline. Affected: yes.
Comment: Not observed at significant frequency in large population cohorts (gnomAD); In silico analysis supports that this missense variant does not alter protein structure/function; Has not been previously published as pathogenic or benign to our knowledge

Labcorp Genetics (formerly Invitae), Labcorp
Classification: Uncertain significance for Spastic paraplegia. Last evaluated: 2022-05-05. Review status: criteria provided, single submitter. Criteria: Invitae Variant Classification Sherloc (09022015). Collection method: clinical testing. Allele origin: germline.
Comment: In summary, the available evidence is currently insufficient to determine the role of this variant in disease. Therefore, it has been classified as a Variant of Uncertain Significance. This variant is not present in population databases (gnomAD no frequency). This variant has not been reported in the literature in individuals affected with KIF5A-related conditions. Advanced modeling of protein sequence and biophysical properties (such as structural, functional, and spatial information, amino acid conservation, physicochemical variation, residue mobility, and thermodynamic stability) performed at Invitae indicates that this missense variant is not expected to disrupt KIF5A protein function. This sequence change replaces glutamine, which is neutral and polar, with glutamic acid, which is acidic and polar, at codon 513 of the KIF5A protein (p.Gln513Glu).